The following is an entry in ClinVar:

ClinVar aggregate classification (germline): Benign/Likely benign. Review status: criteria provided, multiple submitters, no conflicts (2 of 4 stars). 6 submissions from 6 submitters: Benign (5); Likely benign (1). Last evaluated 2026-01-15.

Allele frequency attached by ClinVar (database versions not stated): gnomAD exomes 0.00052 and 0.00137; ExAC 0.00167; 1000 Genomes Project 0.00479; 1000 Genomes Project 30x 0.00531; gnomAD 0.00535 and 0.00577; TOPMed 0.00606; ESP Exome Variant Server 0.00638.
gnomAD v4.1: 1,616 of 1,614,136 alleles (0.1%); highest among the groups gnomAD compares: African/African-American, 1.9%; 14 homozygotes.

Submissions (6):

Labcorp Genetics (formerly Invitae), Labcorp
Classification: Benign. Last evaluated: 2026-01-15. Review status: criteria provided, single submitter. Criteria: Invitae Variant Classification Sherloc (09022015). Collection method: clinical testing. Allele origin: germline.

Mayo Clinic Laboratories, Mayo Clinic
Classification: Benign. Last evaluated: 2020-07-14. Review status: criteria provided, single submitter. Criteria: ACMG Guidelines, 2015. Collection method: clinical testing. Allele origin: germline. Observed: 2 variant alleles.

GeneDx
Classification: Benign. Last evaluated: 2018-09-19. Review status: criteria provided, single submitter. Criteria: GeneDx Variant Classification Process June 2021. Collection method: clinical testing. Allele origin: germline. Affected: yes.

Athena Diagnostics
Classification: Benign. Last evaluated: 2017-11-20. Review status: criteria provided, single submitter. Criteria: Athena Diagnostics Criteria. Collection method: clinical testing. Allele origin: germline.

Genetic Services Laboratory, University of Chicago
Classification: Benign. Last evaluated: 2017-03-13. Review status: criteria provided, single submitter. Criteria: ACMG Guidelines, 2015. Collection method: clinical testing. Allele origin: germline. Affected: no.

Center for Pediatric Genomic Medicine, Children's Mercy Hospital and Clinics
Classification: Likely benign. Last evaluated: 2015-12-23. Review status: criteria provided, single submitter. Criteria: ACMG Guidelines, 2015. Collection method: clinical testing. Allele origin: germline.
ClinVar note: Converted during submission from Likely Benign to Likely benign.

NM_018943.3(TUBA8):c.250C>T (p.Arg84Cys)

Gene: TUBA8 (tubulin alpha 8; plus strand). Cytogenetic location: 22q11.21.
Variant type: single nucleotide variant.
Coding change: c.250C>T on transcript NM_018943.3 (MANE Select); coding-DNA position 250, C replaced by T.
Protein change: p.Arg84Cys; replaces arginine 84 with cysteine.
Molecular consequence: missense variant.
Genome position (GRCh38, 1-based): chr22:18,124,179, C>T. VCF-style: chr22-18124179-C-T. GRCh37 (hg19) VCF-style: chr22-18606946-C-T.
Other names: c.52C>T, p.Arg18Cys (NM_001193414.2); short protein forms R84C, R18C.
Identifiers: ClinVar variation 160171 (VCV000160171.20), dbSNP rs115847686, ClinGen allele CA173765.